The following is an entry in ClinVar:

ClinVar aggregate classification (germline): Uncertain significance (1 of 4 stars; one submission).

Submission:

GeneDx
Classification: Uncertain significance. Last evaluated: 2023-03-03. Review status: criteria provided, single submitter. Criteria: GeneDx Variant Classification Process June 2021. Collection method: clinical testing. Allele origin: germline. Affected: yes.
Comment: Not observed at significant frequency in large population cohorts (gnomAD); In silico analysis supports that this missense variant has a deleterious effect on protein structure/function; Has not been previously published as pathogenic or benign to our knowledge

NM_004818.3(DDX23):c.2406G>C (p.Gln802His)

Gene: DDX23 (DEAD-box helicase 23; minus strand). Cytogenetic location: 12q13.12.
Variant type: single nucleotide variant.
Coding change: c.2406G>C on transcript NM_004818.3 (MANE Select); coding-DNA position 2406, G replaced by C.
Protein change: p.Gln802His; replaces glutamine 802 with histidine.
Molecular consequence: missense variant.
Genome position (GRCh38, 1-based): chr12:48,830,526, C>G on the plus strand (G>C on the coding strand, the complement: DDX23 is on the minus strand). VCF-style: chr12-48830526-C-G. GRCh37 (hg19) VCF-style: chr12-49224309-C-G.
Other names: short protein forms Q802H.
Identifiers: ClinVar variation 2579343 (VCV002579343.1), dbSNP rs2498746353, ClinGen allele CA384664574.